The following is an entry in ClinVar:

ClinVar aggregate classification (germline): Uncertain significance (1 of 4 stars; one submission).

Conditions:
Brugada syndrome 3 (BRGDA3). Identifiers: Orphanet 130, MedGen C2678478, MONDO:0012742, OMIM 611875.

Submission:

Genetics and Molecular Pathology, SA Pathology
Classification: Uncertain significance for Brugada syndrome 3. Last evaluated: 2022-09-20. Review status: criteria provided, single submitter. Criteria: ACMG Guidelines, 2015. Collection method: clinical testing. Allele origin: germline. Affected: yes.
Comment: The CACNA1C c.1276G>A variant is classified as VUS (PM2, PP3) The CACNA1C c.1276G>A variant is a single nucleotide change in exon 9/47 of the CACNA1C gene, which is predicted to change the amino acid glutamic acid at position 426 in the protein, to lysine. This variant is absent from population databases (PM2). Computational predictions support a deleterious effect on the gene or gene product (PP3). This variant has not been reported in dbSNP, ClinVar or HGMD.

NM_000719.7(CACNA1C):c.1276G>A (p.Glu426Lys)

Gene: CACNA1C (calcium voltage-gated channel subunit alpha1 C; plus strand). Cytogenetic location: 12p13.33.
Variant type: single nucleotide variant.
Coding change: c.1276G>A on transcript NM_000719.7 (MANE Select); coding-DNA position 1276, G replaced by A.
Protein change: p.Glu426Lys; replaces glutamic acid 426 with lysine.
Molecular consequence: missense variant.
Genome position (GRCh38, 1-based): chr12:2,512,870, G>A. VCF-style: chr12-2512870-G-A. GRCh37 (hg19) VCF-style: chr12-2622036-G-A.
Other names: c.1276G>A, p.Glu426Lys (NM_001129827.2, NM_001129829.2, NM_001129830.3 and 18 more transcripts); c.1267G>A, p.Glu423Lys (NM_001129844.2); short protein forms E423K, E426K.
Identifiers: ClinVar variation 2664836 (VCV002664836.1), dbSNP rs1555700625, ClinGen allele CA383367017.
Genomic context (GRCh38, chr12:2,512,870, plus strand): 5'-AGAGAGTTTTCCAAAGAGAGGGAGAAGGCCAAGGCCCGGGGAGATTTCCAGAAGCTGCGG[G>A]AGAAGCAGCAGCTAGAAGAGGATCTCAAAGGCTACCTGGATTGGATCACTCAGGCCGAAG-3'
Protein context (NP_000710.5, residues 416-436): KARGDFQKLR[Glu426Lys]KQQLEEDLKG